The following is an entry in ClinVar:

NM_002860.4(ALDH18A1):c.2092G>A (p.Val698Ile)

Gene: ALDH18A1 (aldehyde dehydrogenase 18 family member A1; minus strand). Cytogenetic location: 10q24.1.
Variant type: single nucleotide variant.
Coding change: c.2092G>A on transcript NM_002860.4 (MANE Select); coding-DNA position 2092, G replaced by A.
Protein change: p.Val698Ile; replaces valine 698 with isoleucine.
Molecular consequence: missense variant.
Genome position (GRCh38, 1-based): chr10:95,611,274, C>T on the plus strand (G>A on the coding strand, the complement: ALDH18A1 is on the minus strand). VCF-style: chr10-95611274-C-T. GRCh37 (hg19) VCF-style: chr10-97371031-C-T.
Other names: c.2086G>A, p.Val696Ile (NM_001017423.2, NM_001323415.2); c.1759G>A, p.Val587Ile (NM_001323412.2, NM_001323416.2); c.2092G>A, p.Val698Ile (NM_001323413.2, NM_001323414.2); c.1987G>A, p.Val663Ile (NM_001323417.2); c.1753G>A, p.Val585Ile (NM_001323418.2); c.1456G>A, p.Val486Ile (NM_001323419.2); short protein forms V486I, V585I, V587I, V663I, V696I, V698I.
Identifiers: ClinVar variation 3364134 (VCV003364134.1).

ClinVar aggregate classification (germline): Uncertain significance (1 of 4 stars; one submission).

Submission:

GeneDx
Classification: Uncertain significance. Last evaluated: 2023-11-13. Review status: criteria provided, single submitter. Criteria: GeneDx Variant Classification Process June 2021. Collection method: clinical testing. Allele origin: germline. Affected: yes.
Comment: Has not been previously published as pathogenic or benign to our knowledge; Not observed at significant frequency in large population cohorts (gnomAD); In silico analysis supports that this missense variant does not alter protein structure/function